The following is an entry in ClinVar:

ClinVar aggregate classification (germline): Pathogenic. Review status: criteria provided, multiple submitters, no conflicts (2 of 4 stars). 10 submissions from 10 submitters: Pathogenic (9). 1 of the submissions does not count toward it. Last evaluated 2025-07-07.

Conditions:
NEB-related disorder. Also called: NEB-Related Disorders; NEB-related condition.
Arthrogryposis multiplex congenita 6. Identifiers: MedGen C5543431, MONDO:0030281, OMIM 619334.
Nemaline myopathy. Also called: Myopathies, Nemaline. Identifiers: Orphanet 607, MedGen C0206157, MONDO:0018958.
Nemaline myopathy 2 (NEM2). Also called: Nemaline myopathy 2, autosomal recessive. Identifiers: MedGen C1850569, MONDO:0009725, OMIM 256030.

Allele frequency attached by ClinVar (database versions not stated): gnomAD 0.00003 and 0.00004; gnomAD exomes 0.00003; TOPMed 0.00003; ExAC 0.00006; ESP Exome Variant Server 0.00008.
gnomAD v4.1: 43 of 1,613,188 alleles (0.0027%); highest among the groups gnomAD compares: Non-Finnish European, 0.0032%; no homozygotes.

Submissions (10):

Natera, Inc.
Classification: Pathogenic for Nemaline myopathy type 2. Last evaluated: 2025-07-07. Review status: criteria provided, single submitter. Criteria: Natera Variant Classification Schema (03/2026). Collection method: clinical testing. Allele origin: germline.
Comment: The c.25441C>T variant in NEB is a nonsense variant predicted to introduce a stop codon at amino acid 8481. This variant is expected to result in nonsense mediated decay, truncation, or a dysfunctional protein product. This variant is rare in the general population with a frequency below the threshold expected for the associated phenotype(s). This variant has been observed in one or more individuals affected with the associated recessive disease, as either homozygous or compound heterozygous with a second variant (PMID: 25205138, 30057997). Given the available evidence, this variant is classified as Pathogenic.

PreventionGenetics, part of Exact Sciences
Classification: Pathogenic for NEB-related condition. Last evaluated: 2025-04-01. Review status: criteria provided, single submitter. Criteria: ACMG Guidelines, 2015. Collection method: clinical testing. Allele origin: germline.
Comment: The NEB c.25441C>T variant is predicted to result in premature protein termination (p.Arg8481*). This variant was reported with a second NEB variant in individuals with nemaline myopathy (Lehtokari et al. 2014. PubMed ID: 25205138; Wunderlich et al. 2018. PubMed ID: 30057997). This variant is reported in 0.0051% of alleles in individuals of East Asian descent in gnomAD. Nonsense variants in NEB are expected to be pathogenic. This variant is interpreted as pathogenic.

Labcorp Genetics (formerly Invitae), Labcorp
Classification: Pathogenic for Nemaline myopathy 2. Last evaluated: 2025-03-25. Review status: criteria provided, single submitter. Criteria: Invitae Variant Classification Sherloc (09022015). Collection method: clinical testing. Allele origin: germline.
Comment: This sequence change creates a premature translational stop signal (p.Arg8481*) in the NEB gene. It is expected to result in an absent or disrupted protein product. Loss-of-function variants in NEB are known to be pathogenic (PMID: 25205138). This variant is present in population databases (rs200731870, gnomAD 0.005%). This premature translational stop signal has been observed in individual(s) with nemaline myopathy (PMID: 25205138). ClinVar contains an entry for this variant (Variation ID: 449500). For these reasons, this variant has been classified as Pathogenic.

Blueprint Genetics
Classification: Pathogenic for NEB-related disorders. Last evaluated: 2024-11-26. Review status: criteria provided, single submitter. Criteria: ACMG Guidelines, 2015. Collection method: clinical testing. Allele origin: germline. Affected: yes. Observed: 5 variant alleles.

Rady Children's Institute for Genomic Medicine, Rady Children's Hospital San Diego
Classification: Pathogenic for NEMALINE MYOPATHY 2. Last evaluated: 2024-10-17. Review status: criteria provided, single submitter. Criteria: ACMG Guidelines, 2015. Collection method: clinical testing. Allele origin: germline. Affected: yes.
Comment: This variant has been reported in the literature as a c.25441C>T (p.Arg8481Ter) change in an alternate transcript (NM_001271208.1). This nonsense variant found in exon 181 of 182 is predicted to result in loss of normal protein function through either protein truncation or nonsense-mediated mRNA decay. Loss-of-function variation in NEB is an established mechanism of disease (PMID: 25205138). This variant has been previously reported as a compound heterozygous change in patients with nemaline myopathy (PMID: 25205138, 30057997). The c.25336C>T (p.Arg8446Ter) variant is present in the latest version of the gnomAD population database at an allele frequency of 0.003% (43/1613188) and thus is presumed to be rare. Based on the available evidence, c.25336C>T (p.Arg8446Ter) is classified as Pathogenic.

Baylor Genetics
Classification: Pathogenic for Arthrogryposis multiplex congenita 6. Last evaluated: 2024-02-22. Review status: criteria provided, single submitter. Criteria: ACMG Guidelines, 2015. Collection method: clinical testing. Allele origin: unknown.

GeneDx
Classification: Pathogenic. Last evaluated: 2022-09-30. Review status: criteria provided, single submitter. Criteria: GeneDx Variant Classification Process June 2021. Collection method: clinical testing. Allele origin: germline. Affected: yes.
Comment: Reported in a family with nemaline myopathy who also harbored a NEB frameshift variant, but it is not known whether the variants occurred on the same (in cis) or on different (in trans) chromosomes (Lehtokari et al., 2014); Nonsense variant predicted to result in protein truncation or nonsense mediated decay in a gene for which loss-of-function is a known mechanism of disease; Not observed at a significant frequency in large population cohorts (gnomAD); This variant is associated with the following publications: (PMID: 30467404, 25205138, 30057997, 34426522, 31589614, 31127727)

Women's Health and Genetics/Laboratory Corporation of America, LabCorp
Classification: Pathogenic for Nemaline myopathy. Last evaluated: 2020-01-13. Review status: criteria provided, single submitter. Criteria: LabCorp Variant Classification Summary - May 2015. Collection method: clinical testing. Allele origin: germline.
Comment: Variant summary: NEB c.25441C>T (p.Arg8481X) results in a premature termination codon, predicted to cause a truncation of the encoded protein or absence of the protein due to nonsense mediated decay, which are commonly known mechanisms for disease. The variant allele was found at a frequency of 3.2e-05 in 248620 control chromosomes. c.25441C>T has been reported in the literature in at-least two individuals affected with Nemaline Myopathy (Lehtokari_2014) and congenital core-rod myopathy (Wunderlich_2018) respectively. These data indicate that the variant is very likely to be associated with disease. To our knowledge, no experimental evidence demonstrating an impact on protein function has been reported. Three clinical diagnostic laboratories have submitted clinical-significance assessments for this variant to ClinVar after 2014 without evidence for independent evaluation. All laboratories classified the variant as pathogenic (n=2)/likely pathogenic (n=1). Based on the evidence outlined above, the variant was classified as pathogenic.

Revvity Omics, Revvity
Classification: Pathogenic. Last evaluated: 2019-11-18. Review status: criteria provided, single submitter. Criteria: ACMG Guidelines, 2015. Collection method: clinical testing. Allele origin: germline.

Counsyl
Classification: Likely pathogenic for Nemaline myopathy 2. Last evaluated: 2017-02-02. Review status: no assertion criteria provided. Collection method: clinical testing. Allele origin: unknown. Not counted in ClinVar's aggregate classification.

Literature cited by the submitters: PubMed 25205138 (cited by 4 submitters); PubMed 30057997 (cited by Natera, Inc. and Women's Health and Genetics/Laboratory Corporation of America, LabCorp); PubMed 30467404 (cited by Women's Health and Genetics/Laboratory Corporation of America, LabCorp).

NM_001164508.2(NEB):c.25336C>T (p.Arg8446Ter)

Genes: NEB (nebulin; minus strand), RIF1 (replication timing regulatory factor 1; plus strand). Cytogenetic location: 2q23.3.
Variant type: single nucleotide variant.
Coding change: c.25336C>T on transcript NM_001164508.2 (MANE Select); coding-DNA position 25336, C replaced by T.
Protein change: p.Arg8446Ter; replaces arginine 8446 with a stop codon.
Molecular consequence: nonsense.
Genome position (GRCh38, 1-based): chr2:151,490,039, G>A on the plus strand (C>T on the coding strand, the complement: NEB is on the minus strand). VCF-style: chr2-151490039-G-A. GRCh37 (hg19) VCF-style: chr2-152346553-G-A.
Other names: c.25336C>T, p.Arg8446Ter (NM_001164507.2); c.25441C>T, p.Arg8481Ter (NM_001271208.2); c.19768C>T, p.Arg6590Ter (NM_004543.5); c.25336C>T (NM_001164508.1); short protein forms R8481*, R6590*, R8446*.
Identifiers: ClinVar variation 449500 (VCV000449500.28), dbSNP rs200731870, ClinGen allele CA1905735.
Genomic context (GRCh38, chr2:151,490,039, plus strand): 5'-TAGATGGATGAGATGGGATGGAAGATACCGTTGTCTGTTGGGTAGCAACTGAAGATGATC[G>A]TTGTTGTGGGAGCTCTGTGGTTTTTGCATGTTTGTAAGCTGAAAAAAAGGGGGCAAATTC-3'